The following is an entry in ClinVar:

NM_025074.7(FRAS1):c.11109C>A (p.Gly3703=)

Gene: FRAS1 (Fraser extracellular matrix complex subunit 1; plus strand). Cytogenetic location: 4q21.21.
Variant type: single nucleotide variant.
Coding change: c.11109C>A on transcript NM_025074.7 (MANE Select); coding-DNA position 11109, C replaced by A.
Protein change: p.Gly3703=; no amino-acid change (glycine 3703 retained).
Molecular consequence: synonymous variant.
Genome position (GRCh38, 1-based): chr4:78,537,011, C>A. VCF-style: chr4-78537011-C-A. GRCh37 (hg19) VCF-style: chr4-79458165-C-A.
Other names: c.11109C>A (NM_025074.6).
Identifiers: ClinVar variation 3006588 (VCV003006588.5), dbSNP rs763276176, ClinGen allele CA2979151.
Genomic context (GRCh38, chr4:78,537,011, plus strand): 5'-TCATCTTAAAGTCTGACCTAATTAATACCTTTCAATCTTTTCAGGTCAAATCCTTTATGG[C>A]CGAGTACTTTGGAATCCAGAACAAAATCTTAATTCTGCTTACAAACTCCAGCTGGAGAAA-3'
Protein context (NP_079350.5, residues 3693-3713): GAFSKGQILY[Gly3703=]RVLWNPEQNL

ClinVar aggregate classification (germline): Likely benign. Review status: criteria provided, single submitter (1 of 4 stars). 2 submissions from 2 submitters: Likely benign (1). 1 of the submissions does not count toward it. Last evaluated 2024-10-21.

Conditions:
FRAS1-related disorder. Also called: FRAS1-related condition.

Allele frequency attached by ClinVar (database versions not stated): gnomAD 0.00001; gnomAD exomes 0.00001; ExAC 0.00002; TOPMed 0.00002.
gnomAD v4.1: 4 of 1,613,698 alleles (0.00025%); highest among the groups gnomAD compares: Admixed American, 0.0067%; no homozygotes.

Submissions (2):

Labcorp Genetics (formerly Invitae), Labcorp
Classification: Likely benign. Last evaluated: 2024-10-21. Review status: criteria provided, single submitter. Criteria: Invitae Variant Classification Sherloc (09022015). Collection method: clinical testing. Allele origin: germline.

PreventionGenetics, part of Exact Sciences
Classification: Likely benign for FRAS1-related condition. Last evaluated: 2020-11-24. Review status: no assertion criteria provided. Collection method: clinical testing. Allele origin: germline. Not counted in ClinVar's aggregate classification.
Comment: This variant is classified as likely benign based on ACMG/AMP sequence variant interpretation guidelines (Richards et al. 2015 PMID: 25741868, with internal and published modifications).